The following is an entry in ClinVar:

NM_152490.5(B3GALNT2):c.206T>G (p.Val69Gly)

Gene: B3GALNT2 (beta-1,3-N-acetylgalactosaminyltransferase 2; minus strand). Cytogenetic location: 1q42.3.
Variant type: single nucleotide variant.
Coding change: c.206T>G on transcript NM_152490.5 (MANE Select); coding-DNA position 206, T replaced by G.
Protein change: p.Val69Gly; replaces valine 69 with glycine.
Molecular consequence: missense variant.
Genome position (GRCh38, 1-based): chr1:235,494,735, A>C on the plus strand (T>G on the coding strand, the complement: B3GALNT2 is on the minus strand). VCF-style: chr1-235494735-A-C. GRCh37 (hg19) VCF-style: chr1-235658045-A-C.
Other names: c.329T>G, p.Val110Gly (NM_001277155.3); short protein forms V110G, V69G.
Identifiers: ClinVar variation 1933059 (VCV001933059.5), dbSNP rs2527372743, ClinGen allele CA344931111.

ClinVar aggregate classification (germline): Uncertain significance (1 of 4 stars; one submission).

Conditions:
Muscular dystrophy-dystroglycanopathy (congenital with brain and eye anomalies), type a, 11 (MDDGA11). Also called: Muscular dystrophy-dystroglycanopathy (congenital with brain and eye anomalies, type A, 11; Congenital muscular dystrophy-dystroglycanopathy with brain and eye anomalies, type A11; WALKER-WARBURG SYNDROME OR MUSCLE-EYE-BRAIN DISEASE, B3GALNT2-RELATED. Identifiers: Orphanet 588, Orphanet 899, MedGen C3554638, MONDO:0014071, OMIM 615181.

Submission:

Labcorp Genetics (formerly Invitae), Labcorp
Classification: Uncertain significance for Muscular dystrophy-dystroglycanopathy (congenital with brain and eye anomalies), type a, 11. Last evaluated: 2022-07-02. Review status: criteria provided, single submitter. Criteria: Invitae Variant Classification Sherloc (09022015). Collection method: clinical testing. Allele origin: germline.
Comment: In summary, the available evidence is currently insufficient to determine the role of this variant in disease. Therefore, it has been classified as a Variant of Uncertain Significance. Algorithms developed to predict the effect of missense changes on protein structure and function (SIFT, PolyPhen-2, Align-GVGD) all suggest that this variant is likely to be tolerated. This variant has not been reported in the literature in individuals affected with B3GALNT2-related conditions. This variant is not present in population databases (gnomAD no frequency). This sequence change replaces valine, which is neutral and non-polar, with glycine, which is neutral and non-polar, at codon 69 of the B3GALNT2 protein (p.Val69Gly).